The following is an entry in ClinVar:

ClinVar aggregate classification (germline): Conflicting classifications of pathogenicity. Review status: criteria provided, conflicting classifications (1 of 4 stars). 3 submissions from 3 submitters: Likely pathogenic (1); Uncertain significance (2). Last evaluated 2026-03-13.

Conditions:
Neurodevelopmental disorder. Identifiers: MedGen C1535926, MeSH D065886, MONDO:0700092.

Submissions (3):

GeneDx
Classification: Likely pathogenic. Last evaluated: 2026-03-13. Review status: criteria provided, single submitter. Criteria: GeneDx Variant Classification Process June 2021. Collection method: clinical testing. Allele origin: germline.
Comment: Observed in large aggregate dataset examining de novo variants in patients with various developmental disorders (PMID: 35904121, 37500730, 35982159); In silico analysis supports that this missense variant has a deleterious effect on protein structure/function; Not observed at significant frequency in large population cohorts (gnomAD); This variant is associated with the following publications: (PMID: 35982160, 35982159, 35904121, 37500730)

Labcorp Genetics (formerly Invitae), Labcorp
Classification: Uncertain significance. Last evaluated: 2025-07-07. Review status: criteria provided, single submitter. Criteria: Invitae Variant Classification Sherloc (09022015). Collection method: clinical testing. Allele origin: germline.
Comment: This sequence change replaces glycine, which is neutral and non-polar, with arginine, which is basic and polar, at codon 1111 of the ARID1B protein (p.Gly1111Arg). This variant is not present in population databases (gnomAD no frequency). This missense change has been observed in individual(s) with clinical features of ARID1B-related conditions (PMID: 35904121, 35982159, 35982160, 37500730). ClinVar contains an entry for this variant (Variation ID: 1321941). Invitae Evidence Modeling of protein sequence and biophysical properties (such as structural, functional, and spatial information, amino acid conservation, physicochemical variation, residue mobility, and thermodynamic stability) indicates that this missense variant is expected to disrupt ARID1B protein function with a positive predictive value of 80%. In summary, the available evidence is currently insufficient to determine the role of this variant in disease. Therefore, it has been classified as a Variant of Uncertain Significance.

Laboratory of Molecular Genetics (Pr. Bezieau's lab), CHU de Nantes
Classification: Uncertain significance for Neurodevelopmental disorder. Last evaluated: 2021-06-21. Review status: criteria provided, single submitter. Criteria: ACMG Guidelines, 2015. Collection method: clinical testing. Allele origin: germline. Affected: yes.

Literature cited by the submitters: PubMed 35904121 (cited by Labcorp Genetics (formerly Invitae), Labcorp); PubMed 35982159 (cited by Labcorp Genetics (formerly Invitae), Labcorp); PubMed 35982160 (cited by Labcorp Genetics (formerly Invitae), Labcorp); PubMed 37500730 (cited by Labcorp Genetics (formerly Invitae), Labcorp).

NM_001374828.1(ARID1B):c.3700G>A (p.Gly1234Arg)

Gene: ARID1B (AT-rich interaction domain 1B; plus strand). Cytogenetic location: 6q25.3.
Variant type: single nucleotide variant.
Coding change: c.3700G>A on transcript NM_001374828.1 (MANE Select); coding-DNA position 3700, G replaced by A.
Protein change: p.Gly1234Arg; replaces glycine 1234 with arginine.
Molecular consequence: missense variant.
Genome position (GRCh38, 1-based): chr6:157,181,164, G>A. VCF-style: chr6-157181164-G-A. GRCh37 (hg19) VCF-style: chr6-157502298-G-A.
Other names: c.1201G>A, p.Gly401Arg (NM_001363725.2); c.3580G>A, p.Gly1194Arg (NM_001371656.1, NM_001374820.1); c.3541G>A, p.Gly1181Arg (NM_017519.3); short protein forms G1181R, G1194R, G1234R, G401R.
Identifiers: ClinVar variation 1321941 (VCV001321941.3), dbSNP rs2128317800, ClinGen allele CA366228481.
Genomic context (GRCh38, chr6:157,181,164, plus strand): 5'-CCTGCCGTGGGCAAGAAGCCCCTGGACCTGTTCCGACTCTACGTCTGCGTCAAAGAGATC[G>A]GGGGTTTGGCCCAGGTAAGAATGAGTGAGGGAGGGGGTGAAAAAGGAAGCATTGTGGATA-3'
Protein context (NP_001361757.1, residues 1224-1244): FRLYVCVKEI[Gly1234Arg]GLAQVNKNKK